The following is an entry in ClinVar:

NM_001829.4(CLCN3):c.1508T>A (p.Leu503Ter)

Gene: CLCN3 (chloride voltage-gated channel 3; plus strand). Cytogenetic location: 4q33.
Variant type: single nucleotide variant.
Coding change: c.1508T>A on transcript NM_001829.4 (MANE Select); coding-DNA position 1508, T replaced by A.
Protein change: p.Leu503Ter; replaces leucine 503 with a stop codon.
Molecular consequence: nonsense.
Genome position (GRCh38, 1-based): chr4:169,697,679, T>A. VCF-style: chr4-169697679-T-A. GRCh37 (hg19) VCF-style: chr4-170618830-T-A.
Other names: c.1427T>A, p.Leu476Ter (NM_001243372.2, NM_001243374.2); c.1508T>A, p.Leu503Ter (NM_173872.4); short protein forms L476*, L503*.
Identifiers: ClinVar variation 3253102 (VCV003253102.1), dbSNP rs2477059662.

ClinVar aggregate classification (germline): Uncertain significance (1 of 4 stars; one submission).

Submission:

GeneDx
Classification: Uncertain significance. Last evaluated: 2023-12-09. Review status: criteria provided, single submitter. Criteria: GeneDx Variant Classification Process June 2021. Collection method: clinical testing. Allele origin: germline. Affected: yes.
Comment: Not observed at significant frequency in large population cohorts (gnomAD); Nonsense variant predicted to result in protein truncation or nonsense mediated decay in a gene or region of a gene for which loss of function is not a well-established mechanism of disease; Has not been previously published as pathogenic or benign to our knowledge